The following is an entry in ClinVar:

NM_000038.6(APC):c.966T>A (p.Leu322=)

Gene: APC (APC regulator of Wnt signaling pathway; plus strand). Cytogenetic location: 5q22.2.
Variant type: single nucleotide variant.
Coding change: c.966T>A on transcript NM_000038.6 (MANE Select); coding-DNA position 966, T replaced by A.
Protein change: p.Leu322=; no amino-acid change (leucine 322 retained).
Molecular consequence: synonymous variant. On other transcripts: non-coding transcript variant (2), intron variant (15).
Genome position (GRCh38, 1-based): chr5:112,818,998, T>A. VCF-style: chr5-112818998-T-A. GRCh37 (hg19) VCF-style: chr5-112154695-T-A.
Other names: c.966T>A, p.Leu322= (NM_001127510.3, NM_001354895.2, NM_001354896.2 and 4 more transcripts); c.912T>A, p.Leu304= (NM_001127511.3); c.996T>A, p.Leu332= (NM_001354897.2, NM_001407446.1); c.891T>A, p.Leu297= (NM_001354898.2, NM_001407451.1); c.882T>A, p.Leu294= (NM_001354899.2, NM_001407452.1); c.789T>A, p.Leu263= (NM_001354900.2, NM_001354901.2, NM_001407453.1); c.117T>A, p.Leu39= (NM_001354906.2, NM_001407470.1); c.85-271T>A (NM_001407472.1, NM_001407471.1); and 5 more.
Identifiers: ClinVar variation 2855448 (VCV002855448.3), dbSNP rs2149779095, ClinGen allele CA445755760.

ClinVar aggregate classification (germline): Uncertain significance (1 of 4 stars; one submission).

Conditions:
Familial adenomatous polyposis 1 (FAP1). Also called: FAMILIAL ADENOMATOUS POLYPOSIS 1, ATTENUATED; POLYPOSIS, ADENOMATOUS INTESTINAL. Identifiers: MedGen C2713442, MONDO:0021056, OMIM 175100. Disease mechanism: loss of function.

Submission:

Labcorp Genetics (formerly Invitae), Labcorp
Classification: Uncertain significance for Familial adenomatous polyposis 1. Last evaluated: 2023-04-12. Review status: criteria provided, single submitter. Criteria: Invitae Variant Classification Sherloc (09022015). Collection method: clinical testing. Allele origin: germline.
Comment: This variant is not present in population databases (gnomAD no frequency). This sequence change affects codon 322 of the APC mRNA. It is a 'silent' change, meaning that it does not change the encoded amino acid sequence of the APC protein. This variant has not been reported in the literature in individuals affected with APC-related conditions. In summary, the available evidence is currently insufficient to determine the role of this variant in disease. Therefore, it has been classified as a Variant of Uncertain Significance. Algorithms developed to predict the effect of sequence changes on RNA splicing suggest that this variant may create or strengthen a splice site.